The following is an entry in ClinVar:

ClinVar aggregate classification (germline): Uncertain significance. Review status: criteria provided, multiple submitters, no conflicts (2 of 4 stars). 2 submissions from 2 submitters: Uncertain significance (2). Last evaluated 2023-08-30.

Conditions:
Hereditary cancer-predisposing syndrome. Also called: Tumor predisposition; Hereditary Cancer Syndrome; Neoplastic Syndromes, Hereditary; Hereditary neoplastic syndrome. Identifiers: Orphanet 140162, MedGen C0027672, MeSH D009386, MONDO:0015356.
Ataxia-telangiectasia syndrome (AT). Also called: Cerebello-oculocutaneous telangiectasia; Immunodeficiency with ataxia telangiectasia; Ataxia-telangiectasia, complementation group D; AT, COMPLEMENTATION GROUP C; Ataxia-telangiectasia, complementation group E; LOUIS-BAR SYNDROME. Identifiers: Orphanet 100, MedGen C0004135, MONDO:0008840, OMIM 208900.

Submissions (2):

Labcorp Genetics (formerly Invitae), Labcorp
Classification: Uncertain significance for Ataxia-telangiectasia syndrome. Last evaluated: 2023-08-30. Review status: criteria provided, single submitter. Criteria: Invitae Variant Classification Sherloc (09022015). Collection method: clinical testing. Allele origin: germline.
Comment: An algorithm developed to predict the effect of missense changes on protein structure and function (PolyPhen-2) suggests that this variant is likely to be tolerated. ClinVar contains an entry for this variant (Variation ID: 453429). This variant has not been reported in the literature in individuals affected with ATM-related conditions. This variant is not present in population databases (gnomAD no frequency). This sequence change replaces aspartic acid, which is acidic and polar, with glycine, which is neutral and non-polar, at codon 899 of the ATM protein (p.Asp899Gly). In summary, the available evidence is currently insufficient to determine the role of this variant in disease. Therefore, it has been classified as a Variant of Uncertain Significance.

Ambry Genetics
Classification: Uncertain significance for Hereditary cancer-predisposing syndrome. Last evaluated: 2019-05-03. Review status: criteria provided, single submitter. Criteria: Ambry Variant Classification Scheme 2023. Collection method: clinical testing. Allele origin: germline.
Comment: The p.D899G variant (also known as c.2696A>G), located in coding exon 17 of the ATM gene, results from an A to G substitution at nucleotide position 2696. The aspartic acid at codon 899 is replaced by glycine, an amino acid with similar properties. This amino acid position is well conserved in available vertebrate species. In addition, the in silico prediction for this alteration is inconclusive. Since supporting evidence is limited at this time, the clinical significance of this alteration remains unclear.

NM_000051.4(ATM):c.2696A>G (p.Asp899Gly)

Gene: ATM (ATM serine/threonine kinase; plus strand). Cytogenetic location: 11q22.3.
Variant type: single nucleotide variant.
Coding change: c.2696A>G on transcript NM_000051.4 (MANE Select); coding-DNA position 2696, A replaced by G.
Protein change: p.Asp899Gly; replaces aspartic acid 899 with glycine.
Molecular consequence: missense variant.
Genome position (GRCh38, 1-based): chr11:108,268,467, A>G. VCF-style: chr11-108268467-A-G. GRCh37 (hg19) VCF-style: chr11-108139194-A-G.
Other names: c.2696A>G, p.Asp899Gly (NM_001351834.2); short protein forms D899G.
Identifiers: ClinVar variation 453429 (VCV000453429.13), dbSNP rs1555083190, ClinGen allele CA382545207.
Genomic context (GRCh38, chr11:108,268,467, plus strand): 5'-TAGGTGCCATTAATCCTTTAGCTGAAGAATATCTGTCAAAGCAAGATCTACTTTTCTTAG[A>G]CATGCTCAAGTTCTTGTGTTTGTGTGTAACTACTGCTCAGACCAATACTGTGTCCTTTAG-3'
Protein context (NP_000042.3, residues 889-909): YLSKQDLLFL[Asp899Gly]MLKFLCLCVT